The following is an entry in ClinVar:

ClinVar aggregate classification (germline): Uncertain significance (1 of 4 stars; one submission).

Conditions:
Congenital myasthenic syndrome 8. Also called: MYASTHENIC SYNDROME, CONGENITAL, DUE TO AGRIN DEFICIENCY; Myasthenic syndrome, congenital, 8, with pre- and postsynaptic defects. Identifiers: Orphanet 590, MedGen C3808739, MONDO:0014052, OMIM 615120.

Allele frequency attached by ClinVar (database versions not stated): gnomAD exomes 0.00001.
gnomAD v4.1: 1 of 1,583,860 alleles (0.000063%); highest among the groups gnomAD compares: Admixed American, 0.0018%; no homozygotes.

Submission:

Labcorp Genetics (formerly Invitae), Labcorp
Classification: Uncertain significance for Congenital myasthenic syndrome 8. Last evaluated: 2022-08-16. Review status: criteria provided, single submitter. Criteria: Invitae Variant Classification Sherloc (09022015). Collection method: clinical testing. Allele origin: germline.
Comment: Algorithms developed to predict the effect of missense changes on protein structure and function are either unavailable or do not agree on the potential impact of this missense change (SIFT: "Deleterious"; PolyPhen-2: "Probably Damaging"; Align-GVGD: "Class C0"). In summary, the available evidence is currently insufficient to determine the role of this variant in disease. Therefore, it has been classified as a Variant of Uncertain Significance. This variant has not been reported in the literature in individuals affected with AGRN-related conditions. This sequence change replaces proline, which is neutral and non-polar, with alanine, which is neutral and non-polar, at codon 1557 of the AGRN protein (p.Pro1557Ala). The frequency data for this variant in the population databases is considered unreliable, as metrics indicate poor data quality at this position in the gnomAD database. ClinVar contains an entry for this variant (Variation ID: 849569).

NM_198576.4(AGRN):c.4669C>G (p.Pro1557Ala)

Gene: AGRN (agrin; plus strand). Cytogenetic location: 1p36.33.
Variant type: single nucleotide variant.
Coding change: c.4669C>G on transcript NM_198576.4 (MANE Select); coding-DNA position 4669, C replaced by G.
Protein change: p.Pro1557Ala; replaces proline 1557 with alanine.
Molecular consequence: missense variant.
Genome position (GRCh38, 1-based): chr1:1,049,720, C>G. VCF-style: chr1-1049720-C-G. GRCh37 (hg19) VCF-style: chr1-985100-C-G.
Other names: c.4669C>G, p.Pro1557Ala (NM_001305275.2); c.4354C>G, p.Pro1452Ala (NM_001364727.2); short protein forms P1452A, P1557A.
Identifiers: ClinVar variation 849569 (VCV000849569.8), dbSNP rs1477877933, ClinGen allele CA337778964.